The following is an entry in ClinVar:

NM_198834.3(ACACA):c.7118G>A (p.Arg2373Gln)

Gene: ACACA (acetyl-CoA carboxylase alpha; minus strand). Cytogenetic location: 17q12.
Variant type: single nucleotide variant.
Coding change: c.7118G>A on transcript NM_198834.3 (MANE Select); coding-DNA position 7118, G replaced by A.
Protein change: p.Arg2373Gln; replaces arginine 2373 with glutamine.
Molecular consequence: missense variant.
Genome position (GRCh38, 1-based): chr17:37,087,350, C>T on the plus strand (G>A on the coding strand, the complement: ACACA is on the minus strand). VCF-style: chr17-37087350-C-T. GRCh37 (hg19) VCF-style: chr17-35444285-C-T.
Other names: c.7007G>A, p.Arg2336Gln (NM_198836.3, NM_198839.3); c.6833G>A, p.Arg2278Gln (NM_198837.2); c.6773G>A, p.Arg2258Gln (NM_198838.2); short protein forms R2373Q, R2258Q, R2278Q, R2336Q.
Identifiers: ClinVar variation 3001168 (VCV003001168.3), dbSNP rs773877053, ClinGen allele CA8514476.

ClinVar aggregate classification (germline): Uncertain significance (1 of 4 stars; one submission).

Allele frequency attached by ClinVar (database versions not stated): TOPMed below 0.00001; gnomAD 0.00001; gnomAD exomes 0.00001; ExAC 0.00002.
gnomAD v4.1: 10 of 1,613,932 alleles (0.00062%); highest among the groups gnomAD compares: Admixed American, 0.0067%; no homozygotes.

Submission:

Labcorp Genetics (formerly Invitae), Labcorp
Classification: Uncertain significance. Last evaluated: 2022-12-18. Review status: criteria provided, single submitter. Criteria: Invitae Variant Classification Sherloc (09022015). Collection method: clinical testing. Allele origin: germline.
Comment: In summary, the available evidence is currently insufficient to determine the role of this variant in disease. Therefore, it has been classified as a Variant of Uncertain Significance. Algorithms developed to predict the effect of missense changes on protein structure and function output the following: SIFT: "Tolerated"; PolyPhen-2: "Benign"; Align-GVGD: "Class C0". The glutamine amino acid residue is found in multiple mammalian species, which suggests that this missense change does not adversely affect protein function. This variant has not been reported in the literature in individuals affected with ACACA-related conditions. This variant is present in population databases (rs773877053, gnomAD 0.01%). This sequence change replaces arginine, which is basic and polar, with glutamine, which is neutral and polar, at codon 2336 of the ACACA protein (p.Arg2336Gln).